The following is an entry in ClinVar:

NM_030962.4(SBF2):c.*112G>A

Genes: SBF2 (SET binding factor 2; minus strand), SBF2-AS1 (SBF2 antisense RNA 1; plus strand). Cytogenetic location: 11p15.4.
Variant type: single nucleotide variant.
Coding change: c.*112G>A on transcript NM_030962.4 (MANE Select); 112 bases downstream of the stop codon, G replaced by A.
Molecular consequence: 3 prime UTR variant.
Genome position (GRCh38, 1-based): chr11:9,780,306, C>T on the plus strand (G>A on the coding strand, the complement: SBF2 is on the minus strand). VCF-style: chr11-9780306-C-T. GRCh37 (hg19) VCF-style: chr11-9801853-C-T.
Other names: c.*112G>A (NM_001386339.1, NM_001386342.1).
Identifiers: ClinVar variation 306570 (VCV000306570.6), dbSNP rs144513995, ClinGen allele CA10640545.

ClinVar aggregate classification (germline): Likely benign. Review status: criteria provided, multiple submitters, no conflicts (2 of 4 stars). 2 submissions from 2 submitters: Likely benign (2). Last evaluated 2018-01-13.

Conditions:
Charcot-Marie-Tooth disease type 4B2. Also called: Charcot-Marie-Tooth Neuropathy Type 4B2; CHARCOT-MARIE-TOOTH DISEASE, WITH FOCALLY FOLDED MYELIN SHEATHS, AUTOSOMAL RECESSIVE, TYPE 4B2; CMT 4B2; CHARCOT-MARIE-TOOTH DISEASE, DEMYELINATING, TYPE 4B2. Identifiers: Orphanet 99956, MedGen C1858278, MONDO:0011475, OMIM 604563.

Allele frequency attached by ClinVar (database versions not stated): 1000 Genomes Project 0.00060; 1000 Genomes Project 30x 0.00062; TOPMed 0.00185; gnomAD 0.00198 and 0.00201; gnomAD exomes 0.00272.

Submissions (2):

Illumina Laboratory Services, Illumina
Classification: Likely benign for Charcot-Marie-Tooth disease type 4B2. Last evaluated: 2018-01-13. Review status: criteria provided, single submitter. Criteria: ICSL Variant Classification Criteria 13 December 2019. Collection method: clinical testing. Allele origin: germline.
Comment: This variant was observed in the ICSL laboratory as part of a predisposition screen in an ostensibly healthy population. It had not been previously curated by ICSL or reported in the Human Gene Mutation Database (HGMD: prior to June 1st, 2018), and was therefore a candidate for classification through an automated scoring system. Utilizing variant allele frequency, disease prevalence and penetrance estimates, and inheritance mode, an automated score was calculated to assess if this variant is too frequent to cause the disease. Based on the score and internal cut-off values, a variant classified as likely benign is not then subjected to further curation. The score for this variant resulted in a classification of likely benign for this disease.

Breakthrough Genomics
Classification: Likely benign. Review status: criteria provided, single submitter. Criteria: ACMG Guidelines, 2015. Collection method: not provided. Allele origin: germline. Inheritance: Autosomal recessive inheritance. Affected: yes.